The following is an entry in ClinVar:

NM_001364564.1(SALL2):c.2852C>A (p.Ala951Asp)

Gene: SALL2 (spalt like transcription factor 2; minus strand). Cytogenetic location: 14q11.2.
Variant type: single nucleotide variant.
Coding change: c.2852C>A on transcript NM_001364564.1 (MANE Select); coding-DNA position 2852, C replaced by A.
Protein change: p.Ala951Asp; replaces alanine 951 with aspartic acid.
Molecular consequence: missense variant.
Genome position (GRCh38, 1-based): chr14:21,522,870, G>T on the plus strand (C>A on the coding strand, the complement: SALL2 is on the minus strand). VCF-style: chr14-21522870-G-T. GRCh37 (hg19) VCF-style: chr14-21991004-G-T.
Other names: c.2453C>A, p.Ala818Asp (NM_001291446.2); c.2447C>A, p.Ala816Asp (NM_001291447.2); c.2858C>A, p.Ala953Asp (NM_005407.3); short protein forms A816D, A951D, A818D, A953D.
Identifiers: ClinVar variation 2880878 (VCV002880878.3), dbSNP rs2502227167, ClinGen allele CA388908515.

ClinVar aggregate classification (germline): Uncertain significance (1 of 4 stars; one submission).

Submission:

Labcorp Genetics (formerly Invitae), Labcorp
Classification: Uncertain significance. Last evaluated: 2025-09-03. Review status: criteria provided, single submitter. Criteria: Invitae Variant Classification Sherloc (09022015). Collection method: clinical testing. Allele origin: germline.
Comment: This sequence change replaces alanine, which is neutral and non-polar, with aspartic acid, which is acidic and polar, at codon 953 of the SALL2 protein (p.Ala953Asp). This variant is not present in population databases (gnomAD no frequency). This variant has not been reported in the literature in individuals affected with SALL2-related conditions. ClinVar contains an entry for this variant (Variation ID: 2880878). An algorithm developed to predict the effect of missense changes on protein structure and function (PolyPhen-2) suggests that this variant is likely to be tolerated. In summary, the available evidence is currently insufficient to determine the role of this variant in disease. Therefore, it has been classified as a Variant of Uncertain Significance.